The following is an entry in ClinVar:

ClinVar aggregate classification (germline): Uncertain significance (1 of 4 stars; one submission).

Allele frequency attached by ClinVar (database versions not stated): TOPMed below 0.00001; gnomAD 0.00001.

Submission:

Labcorp Genetics (formerly Invitae), Labcorp
Classification: Uncertain significance. Last evaluated: 2022-11-22. Review status: criteria provided, single submitter. Criteria: Invitae Variant Classification Sherloc (09022015). Collection method: clinical testing. Allele origin: germline.
Comment: This sequence change replaces alanine, which is neutral and non-polar, with valine, which is neutral and non-polar, at codon 100 of the TMED7 protein (p.Ala100Val). This variant is not present in population databases (gnomAD no frequency). This variant has not been reported in the literature in individuals affected with TMED7-related conditions. Algorithms developed to predict the effect of missense changes on protein structure and function are either unavailable or do not agree on the potential impact of this missense change (SIFT: "Deleterious"; PolyPhen-2: "Probably Damaging"; Align-GVGD: "Class C15"). In summary, the available evidence is currently insufficient to determine the role of this variant in disease. Therefore, it has been classified as a Variant of Uncertain Significance.

NM_181836.6(TMED7):c.299C>T (p.Ala100Val)

Genes: TMED7 (transmembrane p24 trafficking protein 7; minus strand), TMED7-TICAM2 (TMED7-TICAM2 readthrough; minus strand). Cytogenetic location: 5q22.3.
Variant type: single nucleotide variant.
Coding change: c.299C>T on transcript NM_181836.6 (MANE Select); coding-DNA position 299, C replaced by T.
Protein change: p.Ala100Val; replaces alanine 100 with valine.
Molecular consequence: missense variant.
Genome position (GRCh38, 1-based): chr5:115,620,574, G>A on the plus strand (C>T on the coding strand, the complement: TMED7 is on the minus strand). VCF-style: chr5-115620574-G-A. GRCh37 (hg19) VCF-style: chr5-114956271-G-A.
Other names: c.299C>T, p.Ala100Val (NM_001164468.4, NM_001164469.4); short protein forms A100V.
Identifiers: ClinVar variation 2019238 (VCV002019238.4), dbSNP rs1334592938, ClinGen allele CA360713830.